The following is an entry in ClinVar:

NM_003001.5(SDHC):c.-4C>T

Gene: SDHC (succinate dehydrogenase complex subunit C; plus strand). Cytogenetic location: 1q23.3.
Variant type: single nucleotide variant.
Coding change: c.-4C>T on transcript NM_003001.5 (MANE Select); 4 bases upstream of the start codon, C replaced by T.
Molecular consequence: 5 prime UTR variant.
Genome position (GRCh38, 1-based): chr1:161,314,402, C>T. VCF-style: chr1-161314402-C-T. GRCh37 (hg19) VCF-style: chr1-161284192-C-T.
Other names: c.-4C>T (NM_001035511.3, NM_001035512.3, NM_001035513.3 and 6 more transcripts); c.-564C>T (NM_001407119.1); c.-233C>T (NM_001407120.1).
Identifiers: ClinVar variation 486435 (VCV000486435.7), dbSNP rs1160334076, ClinGen allele CA658656974.

ClinVar aggregate classification (germline): Uncertain significance (1 of 4 stars; one submission).

Conditions:
Hereditary cancer-predisposing syndrome. Also called: Tumor predisposition; Hereditary Cancer Syndrome; Hereditary neoplastic syndrome; Neoplastic Syndromes, Hereditary. Identifiers: Orphanet 140162, MedGen C0027672, MeSH D009386, MONDO:0015356.

Submission:

Ambry Genetics
Classification: Uncertain significance for Hereditary cancer-predisposing syndrome. Last evaluated: 2024-11-18. Review status: criteria provided, single submitter. Criteria: Ambry Variant Classification Scheme 2023. Collection method: clinical testing. Allele origin: germline.
Comment: The c.-4C>T variant is located in the 5' untranslated region (5&rsquo; UTR) of the SDHC gene. This variant results from a C to T substitution 4 bases upstream from the first translated codon. This nucleotide position is highly conserved in available vertebrate species. Based on the available evidence, the clinical significance of this variant remains unclear.